The following is an entry in ClinVar:

ClinVar aggregate classification (germline): Uncertain significance (1 of 4 stars; one submission).

Conditions:
Hereditary cancer-predisposing syndrome. Also called: Neoplastic Syndromes, Hereditary; Tumor predisposition; Hereditary neoplastic syndrome; Hereditary Cancer Syndrome. Identifiers: Orphanet 140162, MedGen C0027672, MeSH D009386, MONDO:0015356.

Submission:

Ambry Genetics
Classification: Uncertain significance for Hereditary cancer-predisposing syndrome. Last evaluated: 2025-06-14. Review status: criteria provided, single submitter. Criteria: Ambry Variant Classification Scheme 2023. Collection method: clinical testing. Allele origin: germline.
Comment: The p.E419Q variant (also known as c.1255G>C), located in coding exon 2 of the MET gene, results from a G to C substitution at nucleotide position 1255. The glutamic acid at codon 419 is replaced by glutamine, an amino acid with highly similar properties. This amino acid position is conserved. In addition, this alteration is predicted to be tolerated by in silico analysis. Based on the available evidence, the clinical significance of this variant remains unclear.

NM_000245.4(MET):c.1255G>C (p.Glu419Gln)

Gene: MET (MET proto-oncogene, receptor tyrosine kinase; plus strand). Cytogenetic location: 7q31.2.
Variant type: single nucleotide variant.
Coding change: c.1255G>C on transcript NM_000245.4 (MANE Select); coding-DNA position 1255, G replaced by C.
Protein change: p.Glu419Gln; replaces glutamic acid 419 with glutamine.
Molecular consequence: missense variant. On other transcripts: 5 prime UTR variant (1).
Genome position (GRCh38, 1-based): chr7:116,731,722, G>C. VCF-style: chr7-116731722-G-C. GRCh37 (hg19) VCF-style: chr7-116371776-G-C.
Other names: c.1255G>C, p.Glu419Gln (NM_001127500.3, NM_001324401.3); c.-36G>C (NM_001324402.2); short protein forms E419Q.
Identifiers: ClinVar variation 4053991 (VCV004053991.1).